The following is an entry in ClinVar:

ClinVar aggregate classification (germline): Likely benign. Review status: criteria provided, single submitter (1 of 4 stars). 2 submissions from 2 submitters: Likely benign (1). 1 of the submissions does not count toward it. Last evaluated 2025-01-01.

Conditions:
PLXND1-related disorder. Also called: PLXND1-related condition.

Allele frequency attached by ClinVar (database versions not stated): 1000 Genomes Project 0.00040; 1000 Genomes Project 30x 0.00047; ESP Exome Variant Server 0.00085; TOPMed 0.00088; gnomAD 0.00094; ExAC 0.00148; gnomAD exomes 0.00193.
gnomAD v4.1: 2,833 of 1,577,576 alleles (0.18%); highest among the groups gnomAD compares: Non-Finnish European, 0.23%; 7 homozygotes.

Submissions (2):

CeGaT Center for Human Genetics Tuebingen
Classification: Likely benign. Last evaluated: 2025-01-01. Review status: criteria provided, single submitter. Criteria: CeGaT Center For Human Genetics Tuebingen Variant Classification Criteria Version 2. Collection method: clinical testing. Allele origin: germline. Affected: yes. Observed: 2 variant alleles.
Comment: PLXND1: BS1

PreventionGenetics, part of Exact Sciences
Classification: Likely benign for PLXND1-related condition. Last evaluated: 2022-07-18. Review status: no assertion criteria provided. Collection method: clinical testing. Allele origin: germline. Not counted in ClinVar's aggregate classification.
Comment: This variant is classified as likely benign based on ACMG/AMP sequence variant interpretation guidelines (Richards et al. 2015 PMID: 25741868, with internal and published modifications).

NM_015103.3(PLXND1):c.1578C>G (p.Asp526Glu)

Gene: PLXND1 (plexin D1; minus strand). Cytogenetic location: 3q22.1.
Variant type: single nucleotide variant.
Coding change: c.1578C>G on transcript NM_015103.3 (MANE Select); coding-DNA position 1578, C replaced by G.
Protein change: p.Asp526Glu; replaces aspartic acid 526 with glutamic acid.
Molecular consequence: missense variant.
Genome position (GRCh38, 1-based): chr3:129,586,630, G>C on the plus strand (C>G on the coding strand, the complement: PLXND1 is on the minus strand). VCF-style: chr3-129586630-G-C. GRCh37 (hg19) VCF-style: chr3-129305473-G-C.
Other names: c.1578C>G (NM_015103.2); short protein forms D526E.
Identifiers: ClinVar variation 2654128 (VCV002654128.25), dbSNP rs142772519, ClinGen allele CA2609334.
Genomic context (GRCh38, chr3:129,586,630, plus strand): 5'-CTGGGGCTCTGGCCTCACCTGGTGGGACGTCATCAGGTAAAGGTAACCGGAGTCTGCTGG[G>C]TCAAACTGCATGACATGGTGCACGGGCTCCCCATAGGCCACAGTCACCACCCGCCTGCTC-3'
Protein context (NP_055918.3, residues 516-536): GEPVHHVMQF[Asp526Glu]PADSGYLYLM